The following is an entry in ClinVar:

ClinVar aggregate classification (germline): Uncertain significance. Review status: criteria provided, multiple submitters, no conflicts (2 of 4 stars). 2 submissions from 2 submitters: Uncertain significance (2). Last evaluated 2026-06-22.

Allele frequency attached by ClinVar (database versions not stated): gnomAD 0.00001; gnomAD exomes below 0.00001; ExAC 0.00001; TOPMed 0.00002.
gnomAD v4.1: 4 of 1,613,878 alleles (0.00025%); highest among the groups gnomAD compares: African/African-American, 0.0013%; no homozygotes.

Submissions (2):

Ambry Genetics
Classification: Uncertain significance. Last evaluated: 2026-06-22. Review status: criteria provided, single submitter. Criteria: Ambry Variant Classification Scheme 2023. Collection method: clinical testing. Allele origin: germline.

Labcorp Genetics (formerly Invitae), Labcorp
Classification: Uncertain significance. Last evaluated: 2023-03-08. Review status: criteria provided, single submitter. Criteria: Invitae Variant Classification Sherloc (09022015). Collection method: clinical testing. Allele origin: germline.
Comment: This variant has not been reported in the literature in individuals affected with IMPG1-related conditions. This variant is not present in population databases (gnomAD no frequency). This sequence change replaces valine, which is neutral and non-polar, with alanine, which is neutral and non-polar, at codon 335 of the IMPG1 protein (p.Val335Ala). An algorithm developed to predict the effect of missense changes on protein structure and function (PolyPhen-2) suggests that this variant is likely to be tolerated. In summary, the available evidence is currently insufficient to determine the role of this variant in disease. Therefore, it has been classified as a Variant of Uncertain Significance.

NM_001563.4(IMPG1):c.1004T>C (p.Val335Ala)

Gene: IMPG1 (interphotoreceptor matrix proteoglycan 1; minus strand). Cytogenetic location: 6q14.1.
Variant type: single nucleotide variant.
Coding change: c.1004T>C on transcript NM_001563.4 (MANE Select); coding-DNA position 1004, T replaced by C.
Protein change: p.Val335Ala; replaces valine 335 with alanine.
Molecular consequence: missense variant.
Genome position (GRCh38, 1-based): chr6:76,005,418, A>G on the plus strand (T>C on the coding strand, the complement: IMPG1 is on the minus strand). VCF-style: chr6-76005418-A-G. GRCh37 (hg19) VCF-style: chr6-76715135-A-G.
Other names: c.770T>C, p.Val257Ala (NM_001282368.2); c.1004T>C (NM_001563.2); short protein forms V335A, V257A.
Identifiers: ClinVar variation 2979292 (VCV002979292.4), dbSNP rs775225216, ClinGen allele CA3898247.
Genomic context (GRCh38, chr6:76,005,418, plus strand): 5'-AGGTCTGTAGCTGTGAGATAGATTTCTGGTTGCTTGTCCTCCTCCATGGTTCCATGATAG[A>G]CTTCCTCACTTTCAATTTTGTTGGAATCAAAAGACAGGAGGTCACTTGCAGGGCTTTTTG-3'
Protein context (NP_001554.2, residues 325-345): FDSNKIESEE[Val335Ala]YHGTMEEDKQ